The following is an entry in ClinVar:

ClinVar aggregate classification (germline): Uncertain significance (1 of 4 stars; one submission).

Conditions:
Calvarial doughnut lesions-bone fragility syndrome. Also called: Doughnut lesions of skull, familial. Identifiers: Orphanet 85192, MedGen C1852022, MONDO:0007470, OMIM 126550.

gnomAD v4.1: 7 of 1,613,448 alleles (0.00043%); highest among the groups gnomAD compares: South Asian, 0.0077%; no homozygotes.

Submission:

Neuberg Centre For Genomic Medicine, NCGM
Classification: Uncertain significance for Calvarial doughnut lesions-bone fragility syndrome. Last evaluated: 2024-02-01. Review status: criteria provided, single submitter. Criteria: ACMG Guidelines, 2015. Collection method: clinical testing. Allele origin: germline. Inheritance: Autosomal dominant inheritance.
Comment: The missense c.899T>G (p.Leu300Trp) variant in SGMS2 has not been reported previously as a pathogenic variant nor as a benign variant, to our knowledge

NM_001375905.1(SGMS2):c.899T>G (p.Leu300Trp)

Genes: CYP2U1-AS1 (CYP2U1 and SGMS2 antisense RNA 1; minus strand), SGMS2 (sphingomyelin synthase 2; plus strand). Cytogenetic location: 4q25.
Variant type: single nucleotide variant.
Coding change: c.899T>G on transcript NM_001375905.1 (MANE Select); coding-DNA position 899, T replaced by G.
Protein change: p.Leu300Trp; replaces leucine 300 with tryptophan.
Molecular consequence: missense variant. On other transcripts: 3 prime UTR variant (1).
Genome position (GRCh38, 1-based): chr4:107,910,354, T>G. VCF-style: chr4-107910354-T-G. GRCh37 (hg19) VCF-style: chr4-108831510-T-G.
Other names: c.899T>G, p.Leu300Trp (NM_001136257.2, NM_001136258.2, NM_001375906.1 and 3 more transcripts); c.*3T>G (NM_001375910.1); c.380T>G, p.Leu127Trp (NM_001375911.1); short protein forms L127W, L300W.
Identifiers: ClinVar variation 3898031 (VCV003898031.1).